The following is an entry in ClinVar:

ClinVar aggregate classification (germline): Uncertain significance (1 of 4 stars; one submission).

Submission:

Labcorp Genetics (formerly Invitae), Labcorp
Classification: Uncertain significance. Last evaluated: 2022-09-27. Review status: criteria provided, single submitter. Criteria: Invitae Variant Classification Sherloc (09022015). Collection method: clinical testing. Allele origin: germline.
Comment: This variant is not present in population databases (gnomAD no frequency). This sequence change replaces serine, which is neutral and polar, with threonine, which is neutral and polar, at codon 157 of the POLR3F protein (p.Ser157Thr). This variant has not been reported in the literature in individuals affected with POLR3F-related conditions. Algorithms developed to predict the effect of missense changes on protein structure and function are either unavailable or do not agree on the potential impact of this missense change (SIFT: "Tolerated"; PolyPhen-2: "Not Available"; Align-GVGD: "Class C0"). In summary, the available evidence is currently insufficient to determine the role of this variant in disease. Therefore, it has been classified as a Variant of Uncertain Significance.

NM_006466.4(POLR3F):c.593G>C (p.Ser198Thr)

Gene: POLR3F (RNA polymerase III subunit F; plus strand). Cytogenetic location: 20p11.23.
Variant type: single nucleotide variant.
Coding change: c.593G>C on transcript NM_006466.4 (MANE Select); coding-DNA position 593, G replaced by C.
Protein change: p.Ser198Thr; replaces serine 198 with threonine.
Molecular consequence: missense variant. On other transcripts: non-coding transcript variant (1).
Genome position (GRCh38, 1-based): chr20:18,480,421, G>C. VCF-style: chr20-18480421-G-C. GRCh37 (hg19) VCF-style: chr20-18461065-G-C.
Other names: c.470G>C, p.Ser157Thr (NM_001282526.2); c.449G>C, p.Ser150Thr (NM_001410821.1); short protein forms S157T, S198T, S150T.
Identifiers: ClinVar variation 1976602 (VCV001976602.5), dbSNP rs1568581614, ClinGen allele CA408352596.